The following is an entry in ClinVar:

NM_000824.5(GLRB):c.929C>T (p.Ala310Val)

Gene: GLRB (glycine receptor beta; plus strand). Cytogenetic location: 4q32.1.
Variant type: single nucleotide variant.
Coding change: c.929C>T on transcript NM_000824.5 (MANE Select); coding-DNA position 929, C replaced by T.
Protein change: p.Ala310Val; replaces alanine 310 with valine.
Molecular consequence: missense variant. On other transcripts: intron variant (1).
Genome position (GRCh38, 1-based): chr4:157,152,742, C>T. VCF-style: chr4-157152742-C-T. GRCh37 (hg19) VCF-style: chr4-158073894-C-T.
Other names: c.929C>T, p.Ala310Val (NM_001166060.2); c.904+8783C>T (NM_001166061.2); c.929C>T (NM_000824.4); short protein forms A310V.
Identifiers: ClinVar variation 1366194 (VCV001366194.6), dbSNP rs745430765, ClinGen allele CA3119916.

ClinVar aggregate classification (germline): Uncertain significance. Review status: criteria provided, multiple submitters, no conflicts (2 of 4 stars). 2 submissions from 2 submitters: Uncertain significance (2). Last evaluated 2025-04-07.

Conditions:
Inborn genetic diseases. Identifiers: MedGen C0950123, MeSH D030342.
Hyperekplexia 2 (HKPX2). Identifiers: Orphanet 3197, MedGen C3553291, MONDO:0013828, OMIM 614619.

Allele frequency attached by ClinVar (database versions not stated): ExAC 0.00002; gnomAD exomes 0.00002 and 0.00004; TOPMed 0.00003.
gnomAD v4.1: 26 of 1,613,518 alleles (0.0016%); highest among the groups gnomAD compares: Non-Finnish European, 0.00042%; no homozygotes.

Submissions (2):

Ambry Genetics
Classification: Uncertain significance for Inborn genetic diseases. Last evaluated: 2025-04-07. Review status: criteria provided, single submitter. Criteria: Ambry Variant Classification Scheme 2023. Collection method: clinical testing. Allele origin: germline.

Labcorp Genetics (formerly Invitae), Labcorp
Classification: Uncertain significance for Hyperekplexia 2. Last evaluated: 2021-09-24. Review status: criteria provided, single submitter. Criteria: Invitae Variant Classification Sherloc (09022015). Collection method: clinical testing. Allele origin: germline.
Comment: This sequence change replaces alanine with valine at codon 310 of the GLRB protein (p.Ala310Val). The alanine residue is highly conserved and there is a small physicochemical difference between alanine and valine. This variant is present in population databases (rs745430765, ExAC 0.003%). This variant has not been reported in the literature in individuals with GLRB-related conditions. Algorithms developed to predict the effect of missense changes on protein structure and function (SIFT, PolyPhen-2, Align-GVGD) all suggest that this variant is likely to be tolerated, but these predictions have not been confirmed by published functional studies and their clinical significance is uncertain. In summary, the available evidence is currently insufficient to determine the role of this variant in disease. Therefore, it has been classified as a Variant of Uncertain Significance.